The following is an entry in ClinVar:

NM_000466.3(PEX1):c.3005_3011dup (p.Tyr1004Ter)

Genes: PEX1 (peroxisomal biogenesis factor 1; minus strand), GATAD1 (GATA zinc finger domain containing 1; plus strand). Cytogenetic location: 7q21.2.
Variant type: Duplication.
Coding change: c.3005_3011dup on transcript NM_000466.3 (MANE Select); coding-DNA positions 3005 to 3011, 7 bases duplicated (GTGTATA; older notation c.3005_3011dupGTGTATA).
Protein change: p.Tyr1004Ter; replaces tyrosine 1004 with a stop codon.
Molecular consequence: nonsense.
Genome position (GRCh38, 1-based): chr7:92,494,312-92,494,318, TATACAC duplicated on the plus strand (GTGTATA on the coding strand, the reverse complement: PEX1 is on the minus strand). VCF-style (leftmost placement, unchanged base first): chr7-92494311-G-GTATACAC. GRCh37 (hg19) VCF-style: chr7-92123625-G-GTATACAC.
Other names: c.2834_2840dup, p.Tyr947Ter (NM_001282677.2); c.2381_2387dup, p.Tyr796Ter (NM_001282678.2); short protein forms Y1004*, Y796*, Y947*.
Identifiers: ClinVar variation 1428826 (VCV001428826.6), dbSNP rs2116091512, ClinGen allele CA2573142452.

ClinVar aggregate classification (germline): Pathogenic (1 of 4 stars; one submission).

Conditions:
Zellweger spectrum disorders (ZS). Also called: Zellweger Spectrum Disorder; Zellweger Spectrum; Zellweger syndrome; Zellweger Spectrum Disorder (ZSD). Identifiers: Orphanet 912, MedGen C0043459, MONDO:0019609.

Submission:

Labcorp Genetics (formerly Invitae), Labcorp
Classification: Pathogenic for Zellweger spectrum disorders. Last evaluated: 2021-10-08. Review status: criteria provided, single submitter. Criteria: Invitae Variant Classification Sherloc (09022015). Collection method: clinical testing. Allele origin: germline.
Comment: For these reasons, this variant has been classified as Pathogenic. This variant has not been reported in the literature in individuals affected with PEX1-related conditions. This variant is not present in population databases (ExAC no frequency). This sequence change creates a premature translational stop signal (p.Tyr1004*) in the PEX1 gene. It is expected to result in an absent or disrupted protein product. Loss-of-function variants in PEX1 are known to be pathogenic (PMID: 9398847, 16086329, 16141001, 21031596, 26387595, 31831025).

Literature cited by the submitters: PubMed 9398847; PubMed 16086329; PubMed 16141001; PubMed 21031596; PubMed 26387595; PubMed 31831025.